The following is an entry in ClinVar:

NM_000138.5(FBN1):c.354C>T (p.His118=)

Gene: FBN1 (fibrillin 1; minus strand). Cytogenetic location: 15q21.1.
Variant type: single nucleotide variant.
Coding change: c.354C>T on transcript NM_000138.5 (MANE Select); coding-DNA position 354, C replaced by T.
Protein change: p.His118=; no amino-acid change (histidine 118 retained).
Molecular consequence: synonymous variant.
Genome position (GRCh38, 1-based): chr15:48,600,227, G>A on the plus strand (C>T on the coding strand, the complement: FBN1 is on the minus strand). VCF-style: chr15-48600227-G-A. GRCh37 (hg19) VCF-style: chr15-48892424-G-A.
Other names: c.354C>T, p.His118= (NM_001406716.1, NM_001406717.1).
Identifiers: ClinVar variation 3074266 (VCV003074266.4), dbSNP rs1301371837, ClinGen allele CA490096913.

ClinVar aggregate classification (germline): Likely benign. Review status: criteria provided, multiple submitters, no conflicts (2 of 4 stars). 3 submissions from 3 submitters: Likely benign (3). Last evaluated 2025-05-24.

Conditions:
Marfan syndrome (MFS). Also called: MARFAN SYNDROME, TYPE I; Marfan syndrome type 1; Marfan's syndrome; Marfan syndrome, classic; FBN1-Related Marfan Syndrome. Identifiers: Orphanet 284963, Orphanet 558, MedGen C0024796, MONDO:0007947, OMIM 154700.
Familial thoracic aortic aneurysm and aortic dissection (TAAD). Also called: Thoracic aortic aneurysms and dissections. Identifiers: Orphanet 91387, MedGen C4707243, MONDO:0019625.

Allele frequency attached by ClinVar (database versions not stated): TOPMed 0.00001; gnomAD exomes below 0.00001; gnomAD 0.00001.
gnomAD v4.1: 3 of 1,612,992 alleles (0.00019%); highest among the groups gnomAD compares: African/African-American, 0.004%; no homozygotes.

Submissions (3):

Ambry Genetics
Classification: Likely benign for Familial thoracic aortic aneurysm and aortic dissection. Last evaluated: 2025-05-24. Review status: criteria provided, single submitter. Criteria: Ambry Variant Classification Scheme 2023. Collection method: clinical testing. Allele origin: germline.

Labcorp Genetics (formerly Invitae), Labcorp
Classification: Likely benign for Marfan syndrome; Familial thoracic aortic aneurysm and aortic dissection. Last evaluated: 2025-01-19. Review status: criteria provided, single submitter. Criteria: Invitae Variant Classification Sherloc (09022015). Collection method: clinical testing. Allele origin: germline.

All of Us Research Program, National Institutes of Health
Classification: Likely benign for Marfan syndrome. Last evaluated: 2023-11-02. Review status: criteria provided, single submitter. Criteria: ACMG Guidelines, 2015. Collection method: clinical testing. Allele origin: germline. Inheritance: Autosomal dominant inheritance. Observed: 1 variant allele, 1 heterozygote.
Comment: This study involves interpretation of variants in research participants for the purpose of population health screening. Participant phenotype was not available at the time of variant classification. Additional details can be found in publication PMID: 35346344, PMCID: PMC8962531